The following is an entry in ClinVar:

ClinVar aggregate classification (germline): Pathogenic/Likely pathogenic. Review status: criteria provided, multiple submitters, no conflicts (2 of 4 stars). 5 submissions from 5 submitters: Pathogenic (4); Likely pathogenic (1). Last evaluated 2026-09-04.

Conditions:
Arrhythmogenic right ventricular dysplasia 8 (ARVD8). Also called: ARRHYTHMOGENIC RIGHT VENTRICULAR DYSPLASIA, FAMILIAL, 8; Arrhythmogenic Right Ventricular Dysplasia/Cardiomyopathy 8; ARRHYTHMOGENIC RIGHT VENTRICULAR CARDIOMYOPATHY 8. Identifiers: MedGen C1843896, MONDO:0011831, OMIM 607450.
Arrhythmogenic cardiomyopathy with wooly hair and keratoderma. Also called: Arrhythmogenic cardiomyopathy with woolly hair and keratoderma; Dilated cardiomyopathy with woolly hair and keratoderma; PALMOPLANTAR KERATODERMA WITH LEFT VENTRICULAR CARDIOMYOPATHY AND WOOLLY HAIR; Carvajal syndrome. Identifiers: Orphanet 65282, MedGen C1854063, MONDO:0011581, OMIM 605676.
Cardiovascular phenotype. Identifiers: MedGen CN230736.

Allele frequency attached by ClinVar (database versions not stated): gnomAD exomes below 0.00001; ExAC 0.00001; gnomAD 0.00001; TOPMed 0.00001.
gnomAD v4.1: 2 of 1,613,962 alleles (0.00012%); highest among the groups gnomAD compares: African/African-American, 0.0027%; no homozygotes.

Submissions (5):

GeneDx
Classification: Likely pathogenic. Last evaluated: 2026-09-04. Review status: criteria provided, single submitter. Criteria: GeneDx Variant Classification Process June 2021. Collection method: clinical testing. Allele origin: germline.
Comment: Reported in individuals with arrhythmogenic right ventricular dysplasia/cardiomyopathy and subendocardial fibrosis (PMID: 27831900, 29915097); Nonsense variant predicted to result in protein truncation or nonsense mediated decay in a gene for which loss of function is a known mechanism of disease; Not observed at significant frequency in large population cohorts (gnomAD); This variant is associated with the following publications: (PMID: 42580469, 34949102, 27831900, 34667957, 29915097)

Labcorp Genetics (formerly Invitae), Labcorp
Classification: Pathogenic for Arrhythmogenic cardiomyopathy with wooly hair and keratoderma; Arrhythmogenic right ventricular dysplasia 8. Last evaluated: 2025-05-01. Review status: criteria provided, single submitter. Criteria: Invitae Variant Classification Sherloc (09022015). Collection method: clinical testing. Allele origin: germline.
Comment: This sequence change creates a premature translational stop signal (p.Gln1289*) in the DSP gene. It is expected to result in an absent or disrupted protein product. Loss-of-function variants in DSP are known to be pathogenic (PMID: 20716751, 24503780, 25227139). This variant is present in population databases (rs778178956, gnomAD 0.007%). This premature translational stop signal has been observed in individual(s) with DSP-related conditions (PMID: 20716751, 24503780, 25227139, 29915097). ClinVar contains an entry for this variant (Variation ID: 387849). For these reasons, this variant has been classified as Pathogenic.

All of Us Research Program, National Institutes of Health
Classification: Pathogenic for Arrhythmogenic cardiomyopathy with wooly hair and keratoderma. Last evaluated: 2024-01-08. Review status: criteria provided, single submitter. Criteria: ACMG Guidelines, 2015. Collection method: clinical testing. Allele origin: germline. Inheritance: Autosomal dominant inheritance. Observed: 1 variant allele, 1 heterozygote.
Comment: The c.3865C>T (p.Gln1289*) variant of the DSP gene is located on exon 23 and creates a premature stop codon (p.Gln1298*). This variant is expected to lead to a disrupted or absent protein product, resulting in loss of function of the DSP gene. Loss of function variants in DSP are known to be pathogenic (PMID: 20716751, 24503780, 25227139). This variant has been observed in individuals with DSP-related conditions (PMID: 20716751, 24503780, 25227139, 29915097, 34949102). This variant is present in the general population database at a very low frequency (rs778178956, gnomAD 0.007%). ClinVar contains an entry for this variant (variation ID 387849). Based on the available evidence, this variant is classified as pathogenic.

This study involves interpretation of variants in research participants for the purpose of population health screening. Participant phenotype was not available at the time of variant classification. Additional details can be found in publication PMID: 35346344, PMCID: PMC8962531

Human Genome Sequencing Center Clinical Lab, Baylor College of Medicine
Classification: Pathogenic for Arrhythmogenic right ventricular dysplasia 8. Last evaluated: 2021-04-27. Review status: criteria provided, single submitter. Criteria: ACMG Guidelines, 2015. Collection method: clinical testing. Allele origin: unknown.
Comment: The c.3865C>T (p.Gln1289*) variant of the DSP gene is located on exon 23 and creates a premature stop codon (p.Gln1298*). This variant is expected to lead to a disrupted or absent protein product, resulting in loss of function of the DSP gene. Loss of function variants in DSP are known to be pathogenic (PMID: 20716751, 24503780, 25227139). This variant has been observed in individuals with DSP-related conditions (PMID: 20716751, 24503780, 25227139, 29915097, 34949102). This variant is present in the general population database at a very low frequency (rs778178956, gnomAD 0.007%). ClinVar contains an entry for this variant (variation ID 387849). Based on the available evidence, this variant is classified as pathogenic.

Ambry Genetics
Classification: Pathogenic for Cardiovascular phenotype. Last evaluated: 2017-10-17. Review status: criteria provided, single submitter. Criteria: Ambry Variant Classification Scheme 2023. Collection method: clinical testing. Allele origin: germline.
Comment: The p.Q1289* pathogenic mutation (also known as c.3865C>T), located in coding exon 23 of the DSP gene, results from a C to T substitution at nucleotide position 3865. This changes the amino acid from a glutamine to a stop codon within coding exon 23. This variant was previously reported in an asymptomatic individual in an exome cohort (Natarajan P et al. Sci Transl Med. 2016;8:364ra151). Alterations in DSP that result in haploinsufficiency or protein truncation have been reported in patients with arrhythmogenic right ventricular cardiomyopathy (ARVC) and dilated cardiomyopathy (DCM) (Fressart V et al. Europace. 2010;12(6):861-8; Elliott P et al. Circ Cardiovasc Genet. 2010;3(4):314-22; Quarta G et al. Circulation. 2011;123(23):2701-9; Garcia-Pavia P et al. Heart. 2011;97(21):1744-52; Rasmussen TB et al. Clin Genet. 2013;84(1):20-30; Pugh TJ et al. Genet Med. 2014;16(8):601-8). This alteration is expected to result in loss of function by premature protein truncation or nonsense-mediated mRNA decay. As such, this alteration is interpreted as a disease-causing mutation.

Literature cited by the submitters: PubMed 20716751 (cited by Labcorp Genetics (formerly Invitae), Labcorp and All of Us Research Program, National Institutes of Health); PubMed 24503780 (cited by Labcorp Genetics (formerly Invitae), Labcorp and All of Us Research Program, National Institutes of Health); PubMed 25227139 (cited by Labcorp Genetics (formerly Invitae), Labcorp and All of Us Research Program, National Institutes of Health); PubMed 29915097 (cited by Labcorp Genetics (formerly Invitae), Labcorp and All of Us Research Program, National Institutes of Health); PubMed 34949102 (cited by All of Us Research Program, National Institutes of Health); PubMed 27831900 (cited by Ambry Genetics).

NM_004415.4(DSP):c.3865C>T (p.Gln1289Ter)

Gene: DSP (desmoplakin; plus strand). Cytogenetic location: 6p24.3.
Variant type: single nucleotide variant.
Coding change: c.3865C>T on transcript NM_004415.4 (MANE Select); coding-DNA position 3865, C replaced by T.
Protein change: p.Gln1289Ter; replaces glutamine 1289 with a stop codon.
Molecular consequence: nonsense. On other transcripts: intron variant (1).
Genome position (GRCh38, 1-based): chr6:7,580,055, C>T. VCF-style: chr6-7580055-C-T. GRCh37 (hg19) VCF-style: chr6-7580288-C-T.
Other names: c.3865C>T, p.Gln1289Ter (NM_001319034.2); c.3582+283C>T (NM_001008844.3); c.3865C>T (LRG_423t1); short protein forms Q1289*.
Identifiers: ClinVar variation 387849 (VCV000387849.20), dbSNP rs778178956, ClinGen allele CA039350.